The following is an entry in ClinVar:

ClinVar aggregate classification (germline): Uncertain significance (1 of 4 stars; one submission).

gnomAD v4.1: 57 of 1,614,148 alleles (0.0035%); highest among the groups gnomAD compares: Admixed American, 0.03%; no homozygotes.

Submission:

Labcorp Genetics (formerly Invitae), Labcorp
Classification: Uncertain significance. Last evaluated: 2025-06-17. Review status: criteria provided, single submitter. Criteria: Invitae Variant Classification Sherloc (09022015). Collection method: clinical testing. Allele origin: germline.
Comment: This sequence change replaces arginine, which is basic and polar, with tryptophan, which is neutral and slightly polar, at codon 353 of the KRT71 protein (p.Arg353Trp). This variant is present in population databases (rs201100550, gnomAD 0.05%). This variant has not been reported in the literature in individuals affected with KRT71-related conditions. Invitae Evidence Modeling of protein sequence and biophysical properties (such as structural, functional, and spatial information, amino acid conservation, physicochemical variation, residue mobility, and thermodynamic stability) indicates that this missense variant is not expected to disrupt KRT71 protein function with a negative predictive value of 80%. In summary, the available evidence is currently insufficient to determine the role of this variant in disease. Therefore, it has been classified as a Variant of Uncertain Significance.

NM_033448.3(KRT71):c.1057C>T (p.Arg353Trp)

Gene: KRT71 (keratin 71; minus strand). Cytogenetic location: 12q13.13.
Variant type: single nucleotide variant.
Coding change: c.1057C>T on transcript NM_033448.3 (MANE Select); coding-DNA position 1057, C replaced by T.
Protein change: p.Arg353Trp; replaces arginine 353 with tryptophan.
Molecular consequence: missense variant.
Genome position (GRCh38, 1-based): chr12:52,547,904, G>A on the plus strand (C>T on the coding strand, the complement: KRT71 is on the minus strand). VCF-style: chr12-52547904-G-A. GRCh37 (hg19) VCF-style: chr12-52941688-G-A.
Other names: short protein forms R353W.
Identifiers: ClinVar variation 4751390 (VCV004751390.1).